The following is an entry in ClinVar:

ClinVar aggregate classification (germline): Uncertain significance (1 of 4 stars; one submission).

Allele frequency attached by ClinVar (database versions not stated): TOPMed 0.00003; ExAC 0.00004; gnomAD 0.00007; gnomAD exomes 0.00007; ESP Exome Variant Server 0.00015; 1000 Genomes Project 30x 0.00016; 1000 Genomes Project 0.00020.
gnomAD v4.1: 91 of 1,389,298 alleles (0.0066%); highest among the groups gnomAD compares: African/African-American, 0.0077%; no homozygotes.

Submission:

Labcorp Genetics (formerly Invitae), Labcorp
Classification: Uncertain significance. Last evaluated: 2022-07-01. Review status: criteria provided, single submitter. Criteria: Invitae Variant Classification Sherloc (09022015). Collection method: clinical testing. Allele origin: germline.
Comment: This sequence change replaces arginine, which is basic and polar, with cysteine, which is neutral and slightly polar, at codon 1594 of the COL27A1 protein (p.Arg1594Cys). This variant is present in population databases (rs200302460, gnomAD 0.01%). This variant has not been reported in the literature in individuals affected with COL27A1-related conditions. Advanced modeling of protein sequence and biophysical properties (such as structural, functional, and spatial information, amino acid conservation, physicochemical variation, residue mobility, and thermodynamic stability) performed at Invitae indicates that this missense variant is not expected to disrupt COL27A1 protein function. In summary, the available evidence is currently insufficient to determine the role of this variant in disease. Therefore, it has been classified as a Variant of Uncertain Significance.

NM_032888.4(COL27A1):c.4780C>T (p.Arg1594Cys)

Gene: COL27A1 (collagen type XXVII alpha 1 chain; plus strand). Cytogenetic location: 9q32.
Variant type: single nucleotide variant.
Coding change: c.4780C>T on transcript NM_032888.4 (MANE Select); coding-DNA position 4780, C replaced by T.
Protein change: p.Arg1594Cys; replaces arginine 1594 with cysteine.
Molecular consequence: missense variant.
Genome position (GRCh38, 1-based): chr9:114,301,308, C>T. VCF-style: chr9-114301308-C-T. GRCh37 (hg19) VCF-style: chr9-117063588-C-T.
Other names: short protein forms R1594C.
Identifiers: ClinVar variation 1939989 (VCV001939989.2), dbSNP rs200302460, ClinGen allele CA5203090.